The following is an entry in ClinVar:

NM_002386.4(MC1R):c.567G>T (p.Leu189=)

Gene: MC1R (melanocortin 1 receptor; plus strand). Cytogenetic location: 16q24.3.
Variant type: single nucleotide variant.
Coding change: c.567G>T on transcript NM_002386.4 (MANE Select); coding-DNA position 567, G replaced by T.
Protein change: p.Leu189=; no amino-acid change (leucine 189 retained).
Molecular consequence: synonymous variant.
Genome position (GRCh38, 1-based): chr16:89,919,825, G>T. VCF-style: chr16-89919825-G-T. GRCh37 (hg19) VCF-style: chr16-89986233-G-T.
Other names: c.567G>T (NM_002386.3).
Identifiers: ClinVar variation 2813060 (VCV002813060.4), dbSNP rs2045699975, ClinGen allele CA497380704.

ClinVar aggregate classification (germline): Conflicting classifications of pathogenicity. Review status: criteria provided, conflicting classifications (1 of 4 stars). 2 submissions from 2 submitters: Uncertain significance (1); Likely benign (1). Last evaluated 2025-03-29.

Conditions:
Melanoma, cutaneous malignant, susceptibility to, 5. Also called: Cutaneous malignant melanoma 5. Identifiers: Orphanet 618, MedGen C2751295, MONDO:0013133, OMIM 613099.

Allele frequency attached by ClinVar (database versions not stated): TOPMed below 0.00001.
gnomAD v4.1: 2 of 1,606,952 alleles (0.00012%); highest among the groups gnomAD compares: Non-Finnish European, 0.00017%; no homozygotes.

Submissions (2):

Ambry Genetics
Classification: Likely benign. Last evaluated: 2025-03-29. Review status: criteria provided, single submitter. Criteria: Ambry Variant Classification Scheme 2023. Collection method: clinical testing. Allele origin: germline.

Labcorp Genetics (formerly Invitae), Labcorp
Classification: Uncertain significance for Melanoma, cutaneous malignant, susceptibility to, 5. Last evaluated: 2024-03-29. Review status: criteria provided, single submitter. Criteria: Invitae Variant Classification Sherloc (09022015). Collection method: clinical testing. Allele origin: germline.
Comment: This sequence change affects codon 189 of the MC1R mRNA. It is a 'silent' change, meaning that it does not change the encoded amino acid sequence of the MC1R protein. This variant is not present in population databases (gnomAD no frequency). This variant has not been reported in the literature in individuals affected with MC1R-related conditions. In summary, the available evidence is currently insufficient to determine the role of this variant in disease. Therefore, it has been classified as a Variant of Uncertain Significance.